The following is an entry in ClinVar:

NM_006231.4(POLE):c.4059T>A (p.Ser1353Arg)

Gene: POLE (DNA polymerase epsilon, catalytic subunit; minus strand). Cytogenetic location: 12q24.33.
Variant type: single nucleotide variant.
Coding change: c.4059T>A on transcript NM_006231.4 (MANE Select); coding-DNA position 4059, T replaced by A.
Protein change: p.Ser1353Arg; replaces serine 1353 with arginine.
Molecular consequence: missense variant.
Genome position (GRCh38, 1-based): chr12:132,649,019, A>T on the plus strand (T>A on the coding strand, the complement: POLE is on the minus strand). VCF-style: chr12-132649019-A-T. GRCh37 (hg19) VCF-style: chr12-133225605-A-T.
Other names: c.4059T>A (NM_006231.2); short protein forms S1353R.
Identifiers: ClinVar variation 3012626 (VCV003012626.4), dbSNP rs1555223871, ClinGen allele CA387383870.
Genomic context (GRCh38, chr12:132,649,019, plus strand): 5'-AGCGACTCGCTGGTTCACGTAGAACACACGGGGGATGCTCAGCCTGATGCAGTGCAAGTC[A>T]CTGCCAACGAGCGCCCACAGCCTGAACAGGCCGGCCTGGCTGGTCTCGCTGATCTGAAAG-3'
Protein context (NP_006222.2, residues 1343-1363): GLFRLWALVG[Ser1353Arg]DLHCIRLSIP

ClinVar aggregate classification (germline): Uncertain significance. Review status: criteria provided, multiple submitters, no conflicts (2 of 4 stars). 2 submissions from 2 submitters: Uncertain significance (2). Last evaluated 2025-12-07.

Conditions:
Hereditary cancer-predisposing syndrome. Also called: Neoplastic Syndromes, Hereditary; Tumor predisposition; Hereditary neoplastic syndrome; Hereditary Cancer Syndrome. Identifiers: Orphanet 140162, MedGen C0027672, MeSH D009386, MONDO:0015356.

Allele frequency attached by ClinVar (database versions not stated): gnomAD exomes below 0.00001.
gnomAD v4.1: 2 of 1,613,900 alleles (0.00012%); highest among the groups gnomAD compares: Non-Finnish European, 0.000085%; no homozygotes.

Submissions (2):

Ambry Genetics
Classification: Uncertain significance for Hereditary cancer-predisposing syndrome. Last evaluated: 2025-12-07. Review status: criteria provided, single submitter. Criteria: Ambry Variant Classification Scheme 2023. Collection method: clinical testing. Allele origin: germline.
Comment: The p.S1353R variant (also known as c.4059T>A), located in coding exon 32 of the POLE gene, results from a T to A substitution at nucleotide position 4059. The serine at codon 1353 is replaced by arginine, an amino acid with dissimilar properties. This amino acid position is conserved. In addition, this alteration is predicted to be tolerated by in silico analysis. Based on the available evidence, the clinical significance of this variant remains unclear.

Labcorp Genetics (formerly Invitae), Labcorp
Classification: Uncertain significance. Last evaluated: 2024-02-17. Review status: criteria provided, single submitter. Criteria: Invitae Variant Classification Sherloc (09022015). Collection method: clinical testing. Allele origin: germline.
Comment: This sequence change replaces serine, which is neutral and polar, with arginine, which is basic and polar, at codon 1353 of the POLE protein (p.Ser1353Arg). This variant is not present in population databases (gnomAD no frequency). This variant has not been reported in the literature in individuals affected with POLE-related conditions. Advanced modeling of protein sequence and biophysical properties (such as structural, functional, and spatial information, amino acid conservation, physicochemical variation, residue mobility, and thermodynamic stability) performed at Invitae indicates that this missense variant is not expected to disrupt POLE protein function with a negative predictive value of 80%. In summary, the available evidence is currently insufficient to determine the role of this variant in disease. Therefore, it has been classified as a Variant of Uncertain Significance.